The following is an entry in ClinVar:

ClinVar aggregate classification (germline): Benign/Likely benign. Review status: criteria provided, multiple submitters, no conflicts (2 of 4 stars). 3 submissions from 3 submitters: Benign (1); Likely benign (2). Last evaluated 2024-10-16.

Conditions:
Lung cancer. Also called: Lung cancer, somatic; Malignant tumor of lung. Identifiers: MedGen C0242379, MONDO:0008903, OMIM 211980.
EGFR-related lung cancer (EGFR). Identifiers: MedGen CN130014.
Hereditary cancer-predisposing syndrome. Also called: Neoplastic Syndromes, Hereditary; Hereditary Cancer Syndrome; Tumor predisposition; Hereditary neoplastic syndrome. Identifiers: Orphanet 140162, MedGen C0027672, MeSH D009386, MONDO:0015356.

Submissions (3):

Myriad Genetics, Inc.
Classification: Benign for Lung cancer. Last evaluated: 2024-10-16. Review status: criteria provided, single submitter. Criteria: Myriad Autosomal Dominant, Autosomal Recessive and X-Linked Classification Criteria (2023). Collection method: clinical testing. Allele origin: unknown.
Comment: This variant is considered benign. This variant is a silent/synonymous amino acid change and it is not expected to impact splicing.

Ambry Genetics
Classification: Likely benign for Hereditary cancer-predisposing syndrome. Last evaluated: 2024-06-28. Review status: criteria provided, single submitter. Criteria: Ambry Variant Classification Scheme 2023. Collection method: clinical testing. Allele origin: germline.

Labcorp Genetics (formerly Invitae), Labcorp
Classification: Likely benign for EGFR-related lung cancer. Last evaluated: 2023-09-26. Review status: criteria provided, single submitter. Criteria: Invitae Variant Classification Sherloc (09022015). Collection method: clinical testing. Allele origin: germline.

NM_005228.5(EGFR):c.2421C>T (p.Asp807=)

Genes: EGFR (epidermal growth factor receptor; plus strand), EGFR-AS1 (EGFR antisense RNA 1; minus strand). Cytogenetic location: 7p11.2.
Variant type: single nucleotide variant.
Coding change: c.2421C>T on transcript NM_005228.5 (MANE Select); coding-DNA position 2421, C replaced by T.
Protein change: p.Asp807=; no amino-acid change (aspartic acid 807 retained).
Molecular consequence: synonymous variant. On other transcripts: non-coding transcript variant (1).
Genome position (GRCh38, 1-based): chr7:55,181,430, C>T. VCF-style: chr7-55181430-C-T. GRCh37 (hg19) VCF-style: chr7-55249123-C-T.
Other names: c.2286C>T, p.Asp762= (NM_001346897.2, NM_001346899.2); c.2421C>T, p.Asp807= (NM_001346898.2); c.2262C>T, p.Asp754= (NM_001346900.2); c.1620C>T, p.Asp540= (NM_001346941.2).
Identifiers: ClinVar variation 1913471 (VCV001913471.7), dbSNP rs2128958775, ClinGen allele CA455165245.
Genomic context (GRCh38, chr7:55,181,430, plus strand): 5'-GCTCATCACGCAGCTCATGCCCTTCGGCTGCCTCCTGGACTATGTCCGGGAACACAAAGA[C>T]AATATTGGCTCCCAGTACCTGCTCAACTGGTGTGTGCAGATCGCAAAGGTAATCAGGGAA-3'
Protein context (NP_005219.2, residues 797-817): CLLDYVREHK[Asp807=]NIGSQYLLNW